The following is an entry in ClinVar:

NM_182961.4(SYNE1):c.778+114A>T

Gene: SYNE1 (spectrin repeat containing nuclear envelope protein 1; minus strand). Cytogenetic location: 6q25.2.
Variant type: single nucleotide variant.
Coding change: c.778+114A>T on transcript NM_182961.4 (MANE Select); 114 bases into the intron after coding-DNA position 778, A replaced by T.
Molecular consequence: intron variant.
Genome position (GRCh38, 1-based): chr6:152,505,087, T>A on the plus strand (A>T on the coding strand, the complement: SYNE1 is on the minus strand). VCF-style: chr6-152505087-T-A. GRCh37 (hg19) VCF-style: chr6-152826222-T-A.
Other names: c.799+114A>T (NM_033071.5).
Identifiers: ClinVar variation 672220 (VCV000672220.1), dbSNP rs9371604, ClinGen allele CA12449779.
Genomic context (GRCh38, chr6:152,505,087, plus strand): 5'-TGGTGGTAGATATTTATCCAGAAGAAAATTGATGCAGGAAAATACCATTACTTGCCACTT[T>A]TCTCCAGCTTTCTGGCCTCCAATAGAATCTTGGAAGTCATGTGTATTTCTGGGTTTAAGA-3'

ClinVar aggregate classification (germline): Benign (1 of 4 stars; one submission).

Allele frequency attached by ClinVar (database versions not stated): gnomAD 0.14697 and 0.15311; TOPMed 0.14962; gnomAD exomes 0.15147; 1000 Genomes Project 30x 0.21814; 1000 Genomes Project 0.22424.
gnomAD v4.1: 182,363 of 1,199,488 alleles (15%); highest among the groups gnomAD compares: East Asian, 46%; 16,632 homozygotes.

Submission:

GeneDx
Classification: Benign. Last evaluated: 2018-06-14. Review status: criteria provided, single submitter. Criteria: GeneDx Variant Classification (06012015). Collection method: clinical testing. Allele origin: germline. Affected: yes.
Comment: This variant is considered likely benign or benign based on one or more of the following criteria: it is a conservative change, it occurs at a poorly conserved position in the protein, it is predicted to be benign by multiple in silico algorithms, and/or has population frequency not consistent with disease.